The following is an entry in ClinVar:

NM_031885.5(BBS2):c.968A>G (p.Glu323Gly)

Gene: BBS2 (Bardet-Biedl syndrome 2; minus strand). Cytogenetic location: 16q13.
Variant type: single nucleotide variant.
Coding change: c.968A>G on transcript NM_031885.5 (MANE Select); coding-DNA position 968, A replaced by G.
Protein change: p.Glu323Gly; replaces glutamic acid 323 with glycine.
Molecular consequence: missense variant. On other transcripts: non-coding transcript variant (5).
Genome position (GRCh38, 1-based): chr16:56,502,429, T>C on the plus strand (A>G on the coding strand, the complement: BBS2 is on the minus strand). VCF-style: chr16-56502429-T-C. GRCh37 (hg19) VCF-style: chr16-56536341-T-C.
Other names: c.968A>G, p.Glu323Gly (NM_001377456.1); short protein forms E323G.
Identifiers: ClinVar variation 4991882 (VCV004991882.1).

ClinVar aggregate classification (germline): Uncertain significance (1 of 4 stars; one submission).

Conditions:
BBS2-related disorder. Also called: BBS2-related disorders; BBS2-related condition. Identifiers: MedGen CN239228.

Submission:

PreventionGenetics, part of Exact Sciences
Classification: Uncertain significance for BBS2-related condition. Last evaluated: 2026-08-04. Review status: criteria provided, single submitter. Criteria: ACMG Guidelines, 2015. Collection method: clinical testing. Allele origin: germline.
Comment: The BBS2 c.968A>G variant is predicted to result in the amino acid substitution p.Glu323Gly. To our knowledge, this variant has not been reported in the literature or in a large population database (gnomAD), indicating this variant is rare. At this time, the clinical significance of this variant is uncertain due to the absence of conclusive functional and genetic evidence.